The following is an entry in ClinVar:

NM_004329.3(BMPR1A):c.1208G>T (p.Gly403Val)

Gene: BMPR1A (bone morphogenetic protein receptor type 1A; plus strand). Cytogenetic location: 10q23.2.
Variant type: single nucleotide variant.
Coding change: c.1208G>T on transcript NM_004329.3 (MANE Select); coding-DNA position 1208, G replaced by T.
Protein change: p.Gly403Val; replaces glycine 403 with valine.
Molecular consequence: missense variant. On other transcripts: non-coding transcript variant (3).
Genome position (GRCh38, 1-based): chr10:86,921,561, G>T. VCF-style: chr10-86921561-G-T. GRCh37 (hg19) VCF-style: chr10-88681318-G-T.
Other names: c.1208G>T, p.Gly403Val (NM_001406578.1, NM_001406579.1, NM_001406580.1 and 19 more transcripts); c.1202G>T, p.Gly401Val (NM_001406583.1); c.1124G>T, p.Gly375Val (NM_001406584.1, NM_001406585.1, NM_001406586.1 and 2 more transcripts); c.1283G>T, p.Gly428Val (NM_001406559.1); c.1256G>T, p.Gly419Val (NM_001406560.1); c.866G>T, p.Gly289Val (NM_001406589.1); short protein forms G403V, G401V, G419V, G428V, G289V, G375V.
Identifiers: ClinVar variation 3992028 (VCV003992028.2).

ClinVar aggregate classification (germline): Uncertain significance (1 of 4 stars; one submission).

Conditions:
Hereditary cancer-predisposing syndrome. Also called: Neoplastic Syndromes, Hereditary; Tumor predisposition; Hereditary Cancer Syndrome; Hereditary neoplastic syndrome. Identifiers: Orphanet 140162, MedGen C0027672, MeSH D009386, MONDO:0015356.

Submission:

Ambry Genetics
Classification: Uncertain significance for Hereditary cancer-predisposing syndrome. Last evaluated: 2026-08-19. Review status: criteria provided, single submitter. Criteria: Ambry Variant Classification Scheme 2023. Collection method: clinical testing. Allele origin: germline.
Comment: The p.G403V variant (also known as c.1208G>T), located in coding exon 9 of the BMPR1A gene, results from a G to T substitution at nucleotide position 1208. The glycine at codon 403 is replaced by valine, an amino acid with dissimilar properties. This amino acid position is highly conserved in available vertebrate species. In addition, this alteration is predicted to be deleterious by in silico analysis. Based on the available evidence, the clinical significance of this variant remains unclear.